The following is an entry in ClinVar:

ClinVar aggregate classification (germline): Uncertain significance (1 of 4 stars; one submission).

Conditions:
Hereditary pheochromocytoma and paraganglioma. Also called: Hereditary Paraganglioma-Pheochromocytoma Syndromes; Hereditary pheochromocytoma-paraganglioma; Hereditary paragangliomas and pheochromocytomas. Identifiers: Orphanet 29072, MedGen C4274332, MONDO:0017366.

Submission:

Labcorp Genetics (formerly Invitae), Labcorp
Classification: Uncertain significance for Hereditary pheochromocytoma and paraganglioma. Last evaluated: 2023-09-13. Review status: criteria provided, single submitter. Criteria: Invitae Variant Classification Sherloc (09022015). Collection method: clinical testing. Allele origin: germline.
Comment: This variant is not present in population databases (gnomAD no frequency). In summary, the available evidence is currently insufficient to determine the role of this variant in disease. Therefore, it has been classified as a Variant of Uncertain Significance. An algorithm developed to predict the effect of missense changes on protein structure and function (PolyPhen-2) suggests that this variant is likely to be tolerated. This variant has not been reported in the literature in individuals affected with SDHAF2-related conditions. This sequence change replaces leucine, which is neutral and non-polar, with arginine, which is basic and polar, at codon 21 of the SDHAF2 protein (p.Leu21Arg).

NM_017841.4(SDHAF2):c.62T>G (p.Leu21Arg)

Gene: SDHAF2 (succinate dehydrogenase complex assembly factor 2; plus strand). Cytogenetic location: 11q12.2.
Variant type: single nucleotide variant.
Coding change: c.62T>G on transcript NM_017841.4 (MANE Select); coding-DNA position 62, T replaced by G.
Protein change: p.Leu21Arg; replaces leucine 21 with arginine.
Molecular consequence: missense variant.
Genome position (GRCh38, 1-based): chr11:61,437,650, T>G. VCF-style: chr11-61437650-T-G. GRCh37 (hg19) VCF-style: chr11-61205122-T-G.
Other names: short protein forms L21R.
Identifiers: ClinVar variation 2760569 (VCV002760569.3), dbSNP rs2540124034, ClinGen allele CA380682852.